The following is an entry in ClinVar:

NM_000069.3(CACNA1S):c.220A>G (p.Met74Val)

Gene: CACNA1S (calcium voltage-gated channel subunit alpha1 S; minus strand). Cytogenetic location: 1q32.1.
Variant type: single nucleotide variant.
Coding change: c.220A>G on transcript NM_000069.3 (MANE Select); coding-DNA position 220, A replaced by G.
Protein change: p.Met74Val; replaces methionine 74 with valine.
Molecular consequence: missense variant.
Genome position (GRCh38, 1-based): chr1:201,110,202, T>C on the plus strand (A>G on the coding strand, the complement: CACNA1S is on the minus strand). VCF-style: chr1-201110202-T-C. GRCh37 (hg19) VCF-style: chr1-201079330-T-C.
Other names: short protein forms M74V.
Identifiers: ClinVar variation 3070322 (VCV003070322.1), dbSNP rs2464691467, ClinGen allele CA344155915.

ClinVar aggregate classification (germline): Uncertain significance (1 of 4 stars; one submission).

Conditions:
Malignant hyperthermia, susceptibility to, 5 (MHS5). Also called: CACNA1S-Related Malignant Hyperthermia Susceptibility. Identifiers: Orphanet 423, MedGen C1866077, MONDO:0011163, OMIM 601887.

Submission:

All of Us Research Program, National Institutes of Health
Classification: Uncertain significance for Malignant hyperthermia, susceptibility to, 5. Last evaluated: 2023-04-03. Review status: criteria provided, single submitter. Criteria: ACMG Guidelines, 2015. Collection method: clinical testing. Allele origin: germline. Inheritance: Autosomal dominant inheritance. Observed: 1 variant allele, 1 heterozygote.
Comment: This missense variant replaces methionine with valine at codon 74 of the CACNA1S protein. Computational prediction suggests that this variant may have deleterious impact on protein structure and function (internally defined REVEL score threshold >= 0.7, PMID: 27666373). To our knowledge, functional studies have not been reported for this variant. This variant has not been reported in individuals affected with CACNA1S-related disorders in the literature. This variant has not been identified in the general population by the Genome Aggregation Database (gnomAD). The available evidence is insufficient to determine the role of this variant in disease conclusively. Therefore, this variant is classified as a Variant of Uncertain Significance.

This study involves interpretation of variants in research participants for the purpose of population health screening. Participant phenotype was not available at the time of variant classification. Additional details can be found in publication PMID: 35346344, PMCID: PMC8962531